The following is an entry in ClinVar:

ClinVar aggregate classification (germline): Uncertain significance (1 of 4 stars; one submission).

Conditions:
Intellectual developmental disorder with neuropsychiatric features. Identifiers: MedGen C4479636, MONDO:0044322, OMIM 617532.

Submission:

Baylor Genetics
Classification: Uncertain significance for Intellectual developmental disorder with neuropsychiatric features. Last evaluated: 2019-11-18. Review status: criteria provided, single submitter. Criteria: ACMG Guidelines, 2015. Collection method: clinical testing. Allele origin: unknown. Affected: yes.
Comment: This variant was determined to be of uncertain significance according to ACMG Guidelines, 2015 [PMID:25741868].

NM_001080397.3(SLC45A1):c.110G>T (p.Arg37Leu)

Gene: SLC45A1 (solute carrier family 45 member 1; plus strand). Cytogenetic location: 1p36.23.
Variant type: single nucleotide variant.
Coding change: c.110G>T on transcript NM_001080397.3 (MANE Select); coding-DNA position 110, G replaced by T.
Protein change: p.Arg37Leu; replaces arginine 37 with leucine.
Molecular consequence: missense variant. On other transcripts: intron variant (2).
Genome position (GRCh38, 1-based): chr1:8,324,439, G>T. VCF-style: chr1-8324439-G-T. GRCh37 (hg19) VCF-style: chr1-8384499-G-T.
Other names: c.110G>T, p.Arg37Leu (NM_001379614.1, NM_001379615.1, NM_001379616.1); c.-116-1379G>T (NM_001379617.1, NM_001379618.1); short protein forms R37L.
Identifiers: ClinVar variation 1029016 (VCV001029016.1), dbSNP rs12074190, ClinGen allele CA17659662.